The following is an entry in ClinVar:

ClinVar aggregate classification (germline): Uncertain significance (1 of 4 stars; one submission).

Conditions:
Cardiac arrhythmia. Also called: Arrhythmia; Cardiac rhythm disease. Identifiers: MedGen C0003811, MONDO:0007263, HP:0011675.

Submission:

Color Diagnostics, LLC DBA Color Health
Classification: Uncertain significance for Cardiac arrhythmia. Last evaluated: 2021-02-01. Review status: criteria provided, single submitter. Criteria: ACMG Guidelines, 2015. Collection method: clinical testing. Allele origin: germline.
Comment: his synonymous variant does not change the amino acid sequence of the KCNH2 protein. Splice site prediction tools are inconclusive regarding the impact of this variant on RNA splicing. To our knowledge, functional studies have not been reported for this variant. This variant has not been reported in individuals affected with cardiovascular disorders in the literature. This variant has not been identified in the general population by the Genome Aggregation Database (gnomAD). The available evidence is insufficient to determine the role of this variant in disease conclusively. Therefore, this variant is classified as a Variant of Uncertain Significance.

NM_000238.4(KCNH2):c.2595C>G (p.Thr865=)

Gene: KCNH2 (potassium voltage-gated channel subfamily H member 2; minus strand). Cytogenetic location: 7q36.1.
Variant type: single nucleotide variant.
Coding change: c.2595C>G on transcript NM_000238.4 (MANE Select); coding-DNA position 2595, C replaced by G.
Protein change: p.Thr865=; no amino-acid change (threonine 865 retained).
Molecular consequence: synonymous variant.
Genome position (GRCh38, 1-based): chr7:150,948,541, G>C on the plus strand (C>G on the coding strand, the complement: KCNH2 is on the minus strand). VCF-style: chr7-150948541-G-C. GRCh37 (hg19) VCF-style: chr7-150645629-G-C.
Other names: c.1575C>G, p.Thr525= (NM_172057.3).
Identifiers: ClinVar variation 1171691 (VCV001171691.4), dbSNP rs762327995, ClinGen allele CA458645043.